The following is an entry in ClinVar:

ClinVar aggregate classification (germline): Uncertain significance. Review status: criteria provided, single submitter (1 of 4 stars). 2 submissions from 2 submitters: Uncertain significance (1). 1 of the submissions does not count toward it. Last evaluated 2022-06-13.

Conditions:
Metaphyseal chondrodysplasia, McKusick type (CHH). Also called: Cartilage-hair hypoplasia; Cartilage-Hair Hypoplasia (CHH). Identifiers: Orphanet 175, MedGen C0220748, MONDO:0009595, OMIM 250250.
Anauxetic dysplasia. Identifiers: Orphanet 93347, MedGen C1846796, MONDO:0011773.

Allele frequency attached by ClinVar (database versions not stated): gnomAD exomes 0.00001; TOPMed 0.00002.
gnomAD v4.1: 12 of 700,350 alleles (0.0017%); highest among the groups gnomAD compares: African/African-American, 0.019%; no homozygotes.

Submissions (2):

Labcorp Genetics (formerly Invitae), Labcorp
Classification: Uncertain significance for Anauxetic dysplasia. Last evaluated: 2022-06-13. Review status: criteria provided, single submitter. Criteria: Invitae Variant Classification Sherloc (09022015). Collection method: clinical testing. Allele origin: germline.
Comment: This variant occurs in the RMRP gene, which encodes an RNA molecule that does not result in a protein product. This variant is present in population databases (no rsID available, gnomAD 0.01%). This variant has not been reported in the literature in individuals affected with RMRP-related conditions. ClinVar contains an entry for this variant (Variation ID: 971897). Experimental studies and prediction algorithms are not available or were not evaluated, and the functional significance of this variant is currently unknown. In summary, the available evidence is currently insufficient to determine the role of this variant in disease. Therefore, it has been classified as a Variant of Uncertain Significance.

Natera, Inc.
Classification: Uncertain significance for Cartilage-hair hypoplasia. Last evaluated: 2020-03-17. Review status: no assertion criteria provided. Collection method: clinical testing. Allele origin: germline. Not counted in ClinVar's aggregate classification.

NR_003051.4(RMRP):n.94A>C

Gene: RMRP (RNA component of mitochondrial RNA processing endoribonuclease; minus strand). Cytogenetic location: 9p13.3.
Variant type: single nucleotide variant.
Genome position: GRCh38 VCF-style: chr9-35657926-T-G. GRCh37 (hg19) VCF-style: chr9-35657923-T-G.
Identifiers: ClinVar variation 971897 (VCV000971897.4), dbSNP rs928762713, ClinGen allele CA192745646.